The following is an entry in ClinVar:

ClinVar aggregate classification (germline): Uncertain significance (1 of 4 stars; one submission).

gnomAD v4.1: 135 of 1,602,252 alleles (0.0084%); highest among the groups gnomAD compares: Non-Finnish European, 0.011%; no homozygotes.

Submission:

CeGaT Center for Human Genetics Tuebingen
Classification: Uncertain significance. Last evaluated: 2026-02-01. Review status: criteria provided, single submitter. Criteria: CeGaT Center For Human Genetics Tuebingen Variant Classification Criteria Version 2. Collection method: clinical testing. Allele origin: germline. Affected: yes. Observed: 1 variant allele.
Comment: DST: PM2, BP4

NM_001374736.1(DST):c.8462A>G (p.Asp2821Gly)

Gene: DST (dystonin; minus strand). Cytogenetic location: 6p12.1.
Variant type: single nucleotide variant.
Coding change: c.8462A>G on transcript NM_001374736.1 (MANE Select); coding-DNA position 8462, A replaced by G.
Protein change: p.Asp2821Gly; replaces aspartic acid 2821 with glycine.
Molecular consequence: missense variant. On other transcripts: intron variant (6).
Genome position (GRCh38, 1-based): chr6:56,606,166, T>C on the plus strand (A>G on the coding strand, the complement: DST is on the minus strand). VCF-style: chr6-56606166-T-C. GRCh37 (hg19) VCF-style: chr6-56470964-T-C.
Other names: c.8462A>G, p.Asp2821Gly (NM_001374722.1); c.7829A>G, p.Asp2610Gly (NM_001374729.1); c.8489A>G, p.Asp2830Gly (NM_001374734.1); c.5184+4261A>G (NM_001144769.5); c.4770+4261A>G (NM_001144770.2); c.4650+4261A>G (NM_001374730.1, NM_001386100.1, NM_183380.4); c.3672+4261A>G (NM_015548.5); short protein forms D2610G, D2821G, D2830G.
Identifiers: ClinVar variation 4822318 (VCV004822318.4).
Genomic context (GRCh38, chr6:56,606,166, plus strand): 5'-GCACACAACTGGATATCCATATCTTCAGCCACATTTTGGCACCTGGGCTTTCCATTCTCA[T>C]CTCTTATACCTCCTCCTTCTTCATCAATGCCATCATCATCATCGTCATCCTGATCATTAC-3'
Protein context (NP_001361665.1, residues 2811-2831): GIDEEGGGIR[Asp2821Gly]ENGKPRCQNV